The following is an entry in ClinVar:

NM_001142864.4(PIEZO1):c.1342C>T (p.Leu448Phe)

Genes: HSALR1 (HSP90AB1 associated lncRNA 1; plus strand), PIEZO1 (piezo type mechanosensitive ion channel component 1 (Er blood group); minus strand). Cytogenetic location: 16q24.3.
Variant type: single nucleotide variant.
Coding change: c.1342C>T on transcript NM_001142864.4 (MANE Select); coding-DNA position 1342, C replaced by T.
Protein change: p.Leu448Phe; replaces leucine 448 with phenylalanine.
Molecular consequence: missense variant.
Genome position (GRCh38, 1-based): chr16:88,736,363, G>A on the plus strand (C>T on the coding strand, the complement: PIEZO1 is on the minus strand). VCF-style: chr16-88736363-G-A. GRCh37 (hg19) VCF-style: chr16-88802771-G-A.
Other names: short protein forms L448F.
Identifiers: ClinVar variation 3600475 (VCV003600475.2).

ClinVar aggregate classification (germline): Uncertain significance. Review status: criteria provided, multiple submitters, no conflicts (2 of 4 stars). 2 submissions from 2 submitters: Uncertain significance (2). Last evaluated 2024-11-27.

Conditions:
Lymphatic malformation 6 (LMPHM6). Also called: GENERALIZED LYMPHATIC DYSPLASIA OF FOTIOU; Lymphedema, hereditary, III; PIEZO1-related generalized lymphatic dysplasia with non-immune hydrops fetalis. Identifiers: Orphanet 568062, MedGen C4225184, MONDO:0014797, OMIM 616843.

gnomAD v4.1: 5 of 1,549,830 alleles (0.00032%); highest among the groups gnomAD compares: Non-Finnish European, 0.00044%; no homozygotes.

Submissions (2):

Clinical Genomics Laboratory, Washington University in St. Louis
Classification: Uncertain significance for Lymphatic malformation 6. Last evaluated: 2024-11-27. Review status: criteria provided, single submitter. Criteria: ACMG Guidelines, 2015. Collection method: clinical testing. Allele origin: germline.
Comment: A PIEZO1 c.1342C>T (p.Leu448Phe) variant was identified at a heterozygous allelic fraction of 50.6%, a frequency which may be consistent with it being of germline origin. To our knowledge, it has not been reported in the medical literature. The PIEZO1 c.1342C>T (p.Leu448Phe) variant is only observed on 5/1,549,830 alleles in the general population (gnomAD v.4.1.0), indicating it is not a common variant. Computational predictors are uncertain as to the impact of this variant on PIEZO1 function. Due to limited information, and based on ACMG/AMP guidelines for variant interpretation (Richard S et al., PMID: 25741868), the clinical significance of this variant is uncertain at this time.

Blueprint Genetics
Classification: Uncertain significance. Last evaluated: 2020-04-09. Review status: criteria provided, single submitter. Criteria: ACMG Guidelines, 2015. Collection method: clinical testing. Allele origin: germline.